The following is an entry in ClinVar:

ClinVar aggregate classification (germline): Uncertain significance (1 of 4 stars; one submission).

Conditions:
BAP1-related tumor predisposition syndrome (TPDS1). Also called: BAP1 tumor predisposition syndrome; Tumor susceptibility linked to germline BAP1 mutations; COMMON Syndrome; TUMOR PREDISPOSITION SYNDROME 1. Identifiers: Orphanet 289539, MedGen C3280492, MONDO:0013692, OMIM 614327.

Submission:

Labcorp Genetics (formerly Invitae), Labcorp
Classification: Uncertain significance for BAP1-related tumor predisposition syndrome. Last evaluated: 2023-12-31. Review status: criteria provided, single submitter. Criteria: Invitae Variant Classification Sherloc (09022015). Collection method: clinical testing. Allele origin: germline.
Comment: This sequence change replaces glycine, which is neutral and non-polar, with cysteine, which is neutral and slightly polar, at codon 23 of the BAP1 protein (p.Gly23Cys). This variant also falls at the last nucleotide of exon 2, which is part of the consensus splice site for this exon. This variant is not present in population databases (gnomAD no frequency). This variant has not been reported in the literature in individuals affected with BAP1-related conditions. An algorithm developed to predict the effect of missense changes on protein structure and function (PolyPhen-2) suggests that this variant is likely to be disruptive. Variants that disrupt the consensus splice site are a relatively common cause of aberrant splicing (PMID: 17576681, 9536098). Algorithms developed to predict the effect of sequence changes on RNA splicing suggest that this variant may disrupt the consensus splice site. In summary, the available evidence is currently insufficient to determine the role of this variant in disease. Therefore, it has been classified as a Variant of Uncertain Significance.

Literature cited by the submitters: PubMed 17576681; PubMed 9536098.

NM_004656.4(BAP1):c.67G>T (p.Gly23Cys)

Gene: BAP1 (BRCA1 associated deubiquitinase 1; minus strand). Cytogenetic location: 3p21.1.
Variant type: single nucleotide variant.
Coding change: c.67G>T on transcript NM_004656.4 (MANE Select); coding-DNA position 67, G replaced by T.
Protein change: p.Gly23Cys; replaces glycine 23 with cysteine.
Molecular consequence: missense variant.
Genome position (GRCh38, 1-based): chr3:52,409,714, C>A on the plus strand (G>T on the coding strand, the complement: BAP1 is on the minus strand). VCF-style: chr3-52409714-C-A. GRCh37 (hg19) VCF-style: chr3-52443730-C-A.
Other names: c.67G>T, p.Gly23Cys (NM_001410772.1); short protein forms G23C.
Identifiers: ClinVar variation 2822528 (VCV002822528.3), dbSNP rs1578230869, ClinGen allele CA353114847.